The following is an entry in ClinVar:

NM_000018.4(ACADVL):c.63-2A>C

Genes: ACADVL (acyl-CoA dehydrogenase very long chain; plus strand), LOC130060113 (ATAC-STARR-seq lymphoblastoid silent region 8088; plus strand). Cytogenetic location: 17p13.1.
Variant type: single nucleotide variant.
Coding change: c.63-2A>C on transcript NM_000018.4 (MANE Select); the canonical splice acceptor site of the intron before coding-DNA position 63, A replaced by C.
Molecular consequence: splice acceptor variant. On other transcripts: 5 prime UTR variant (1).
Genome position (GRCh38, 1-based): chr17:7,220,120, A>C. VCF-style: chr17-7220120-A-C. GRCh37 (hg19) VCF-style: chr17-7123439-A-C.
Other names: c.-168A>C (NM_001270448.2); c.132-2A>C (NM_001270447.2); c.63-2A>C (NM_001033859.3).
Identifiers: ClinVar variation 474900 (VCV000474900.14), dbSNP rs1555527513, ClinGen allele CA397722016.

ClinVar aggregate classification (germline): Likely pathogenic. Review status: reviewed by expert panel (3 of 4 stars). 4 submissions from 4 submitters: Likely pathogenic (1). 3 of the submissions do not count toward it. Last evaluated 2022-03-08.

Conditions:
Very long chain acyl-CoA dehydrogenase deficiency (ACADVLD). Also called: VLCAD Deficiency; Very Long-Chain Acyl-Coenzyme A Dehydrogenase Deficiency. Identifiers: Orphanet 26793, MedGen C3887523, MONDO:0008723, OMIM 201475.

Allele frequency attached by ClinVar (database versions not stated): gnomAD exomes below 0.00001; gnomAD 0.00001.

Submissions (4):

ClinGen ACADVL Variant Curation Expert Panel, ClinGen
Classification: Likely pathogenic for Very long chain acyl-CoA dehydrogenase deficiency. Last evaluated: 2022-03-08. Review status: reviewed by expert panel. Criteria: clingen acadvl acmg specifications v1. Collection method: curation. Allele origin: germline. Inheritance: Autosomal recessive inheritance.
Comment: The c.63-2A>C variant in ACADVL occurs within the canonical splice acceptor site (+/- 1,2) of intron 1. It is predicted to cause skipping of biologically-relevant-exon 2/20, resulting in a frameshift leading to nonsense mediated decay in a gene in which loss-of-function is an established disease mechanism (PVS1; PMIDs 9973285, 11590124). This variant is absent from gnomAD v2.1.1 (PM2_Supporting). This variant has been reported in an abnormal newborn screen without clinical confirmation or a second pathogenic ACADVL variant identified (PMID 26385305, 27209629). The ACADVL Variant Curation Expert Panel VCEP classified the variant as likely pathogenic based on PVS1+PM2_supporting (VCEP specifications v2.0, approved on 09/16/2021).

Labcorp Genetics (formerly Invitae), Labcorp
Classification: Likely pathogenic for Very long chain acyl-CoA dehydrogenase deficiency. Last evaluated: 2025-02-20. Review status: criteria provided, single submitter. Criteria: Invitae Variant Classification Sherloc (09022015). Collection method: clinical testing. Allele origin: germline. Not counted in ClinVar's aggregate classification.
Comment: This sequence change affects an acceptor splice site in intron 1 of the ACADVL gene. It is expected to disrupt RNA splicing. Variants that disrupt the donor or acceptor splice site typically lead to a loss of protein function (PMID: 16199547), and loss-of-function variants in ACADVL are known to be pathogenic (PMID: 9973285, 11590124). This variant is not present in population databases (gnomAD no frequency). Disruption of this splice site has been observed in individual(s) with very long-chain acyl-CoA dehydrogenase deficiency (PMID: 27209629). ClinVar contains an entry for this variant (Variation ID: 474900). Algorithms developed to predict the effect of sequence changes on RNA splicing suggest that this variant may disrupt the consensus splice site. In summary, the currently available evidence indicates that the variant is pathogenic, but additional data are needed to prove that conclusively. Therefore, this variant has been classified as Likely Pathogenic.

Wong Mito Lab, Molecular and Human Genetics, Baylor College of Medicine
Classification: Pathogenic for Very long chain acyl-CoA dehydrogenase deficiency. Last evaluated: 2019-11-01. Review status: criteria provided, single submitter. Criteria: ACMG Guidelines, 2015. Collection method: clinical testing. Allele origin: germline. Not counted in ClinVar's aggregate classification.
Comment: The NM_000018.3:c.63-2A>C (NP_000009.1:p.?) [GRCH38: NC_000017.11:g.7220120A>C] variant in ACADVL gene is interpretated to be Pathogenic based on ACMG guidelines (PMID: 25741868). This variant has been reported. This variant meets the following evidence codes reported in the ACMG guidelines: PVS1, PS3

Natera, Inc.
Classification: Likely pathogenic for Very long chain acyl-CoA dehydrogenase deficiency. Last evaluated: 2020-09-16. Review status: no assertion criteria provided. Collection method: clinical testing. Allele origin: germline. Not counted in ClinVar's aggregate classification.

Literature cited by the submitters: PubMed 16199547 (cited by Labcorp Genetics (formerly Invitae), Labcorp); PubMed 9973285 (cited by Labcorp Genetics (formerly Invitae), Labcorp); PubMed 11590124 (cited by Labcorp Genetics (formerly Invitae), Labcorp); PubMed 27209629 (cited by Labcorp Genetics (formerly Invitae), Labcorp and Wong Mito Lab, Molecular and Human Genetics, Baylor College of Medicine).